The following is an entry in ClinVar:

ClinVar aggregate classification (germline): Uncertain significance (1 of 4 stars; one submission).

Conditions:
Tuberous sclerosis syndrome (TSC). Also called: Tuberous Sclerosis Complex; Tuberous sclerosis. Identifiers: Orphanet 805, MedGen C0041341, MONDO:0001734.

Submission:

All of Us Research Program, National Institutes of Health
Classification: Uncertain significance for Tuberous sclerosis syndrome. Last evaluated: 2023-06-28. Review status: criteria provided, single submitter. Criteria: ACMG Guidelines, 2015. Collection method: clinical testing. Allele origin: germline. Inheritance: Autosomal dominant inheritance. Observed: 1 variant allele, 1 heterozygote.
Comment: This study involves interpretation of variants in research participants for the purpose of population health screening. Participant phenotype was not available at the time of variant classification. Additional details can be found in publication PMID: 35346344, PMCID: PMC8962531

NM_000368.5(TSC1):c.2458_2460del (p.Lys820del)

Gene: TSC1 (TSC complex subunit 1; minus strand). Cytogenetic location: 9q34.13.
Variant type: Deletion.
Coding change: c.2458_2460del on transcript NM_000368.5 (MANE Select); coding-DNA positions 2458 to 2460, 3 bases deleted (AAG; older notation c.2458_2460delAAG).
Protein change: p.Lys820del; deletes lysine 820.
Molecular consequence: inframe deletion. On other transcripts: non-coding transcript variant (5).
Genome position (GRCh38, 1-based): chr9:132,901,631-132,901,633, CTT deleted on the plus strand (AAG on the coding strand, the reverse complement: TSC1 is on the minus strand). VCF-style (leftmost placement, unchanged base first): chr9-132901630-CCTT-C. GRCh37 (hg19) VCF-style: chr9-135777017-CCTT-C.
Other names: c.2458_2460del, p.Lys820del (NM_001406595.1, NM_001406596.1, NM_001406605.1 and 5 more transcripts); c.2455_2457del, p.Lys819del (NM_001406597.1, NM_001406598.1, NM_001406599.1 and 4 more transcripts); c.2443_2445del, p.Lys815del (NM_001406601.1, NM_001406602.1); c.2440_2442del, p.Lys814del (NM_001406603.1, NM_001406604.1); c.2305_2307del, p.Lys769del (NM_001406610.1, NM_001162427.2); c.2302_2304del, p.Lys768del (NM_001406611.1, NM_001406612.1, NM_001406613.1); c.2095_2097del, p.Lys699del (NM_001406614.1, NM_001406615.1, NM_001406616.1 and 5 more transcripts); c.2092_2094del, p.Lys698del (NM_001406620.1, NM_001406621.1, NM_001406622.1 and 2 more transcripts); and 3 more; short protein forms K469del, K502del, K503del, K698del, K699del, K768del, K769del, K814del.
Identifiers: ClinVar variation 3072109 (VCV003072109.1), dbSNP rs2538573980, ClinGen allele CA2825001612.